The following is an entry in ClinVar:

ClinVar aggregate classification (germline): Uncertain significance. Review status: criteria provided, multiple submitters, no conflicts (2 of 4 stars). 4 submissions from 4 submitters: Uncertain significance (4). Last evaluated 2024-01-19.

Conditions:
Catecholaminergic polymorphic ventricular tachycardia 1. Also called: VENTRICULAR TACHYCARDIA, CATECHOLAMINERGIC POLYMORPHIC, 1, WITH OR WITHOUT ATRIAL DYSFUNCTION AND/OR DILATED CARDIOMYOPATHY; VENTRICULAR TACHYCARDIA, STRESS-INDUCED POLYMORPHIC 1; RYR2-Related Catecholaminergic Polymorphic Ventricular Tachycardia. Identifiers: Orphanet 3286, MedGen C1631597, MONDO:0011484, OMIM 604772.
Ventricular arrhythmias due to cardiac ryanodine receptor calcium release deficiency syndrome. Also called: Autosomal dominant cardiac arrhythmia (Kuhn). Identifiers: MedGen C5542154, MONDO:0020745, OMIM 115000.

Allele frequency attached by ClinVar (database versions not stated): gnomAD exomes below 0.00001.
gnomAD v4.1: 2 of 1,613,808 alleles (0.00012%); highest among the groups gnomAD compares: Non-Finnish European, 0.00017%; no homozygotes.

Submissions (4):

Labcorp Genetics (formerly Invitae), Labcorp
Classification: Uncertain significance for Catecholaminergic polymorphic ventricular tachycardia 1. Last evaluated: 2024-01-19. Review status: criteria provided, single submitter. Criteria: Invitae Variant Classification Sherloc (09022015). Collection method: clinical testing. Allele origin: germline.
Comment: This sequence change replaces valine, which is neutral and non-polar, with methionine, which is neutral and non-polar, at codon 1209 of the RYR2 protein (p.Val1209Met). This variant is not present in population databases (gnomAD no frequency). This variant has not been reported in the literature in individuals affected with RYR2-related conditions. ClinVar contains an entry for this variant (Variation ID: 201240). Advanced modeling of protein sequence and biophysical properties (such as structural, functional, and spatial information, amino acid conservation, physicochemical variation, residue mobility, and thermodynamic stability) performed at Invitae indicates that this missense variant is not expected to disrupt RYR2 protein function with a negative predictive value of 95%. In summary, the available evidence is currently insufficient to determine the role of this variant in disease. Therefore, it has been classified as a Variant of Uncertain Significance.

Clinical Genomics Laboratory, Stanford Medicine
Classification: Uncertain significance for Ventricular arrhythmias due to cardiac ryanodine receptor calcium release deficiency syndrome; Catecholaminergic polymorphic ventricular tachycardia 1. Last evaluated: 2023-01-23. Review status: criteria provided, single submitter. Criteria: ACMG Guidelines, 2015. Collection method: clinical testing. Allele origin: germline. Observed: 1 variant allele, 1 heterozygote.
Comment: The p.Val1209Met variant in the RYR2 gene has not been previously reported in association with disease. This variant was absent from large population databases, including the Genome Aggregation Database. This variant is present in ClinVar (VCV000201240.12). The RYR2 gene has fewer missense variants in the general population than expected. A low rate of missense variation may suggest that this gene is intolerant to missense variation. The valine at position 1209 is moderately evolutionarily conserved. Computational tools predict that the p.Val1209Met variant does not impact protein function; however, the accuracy of in silico algorithms is limited. These data were assessed using the ACMG/AMP variant interpretation guidelines. In summary, the significance of the p.Val1209Met variant is uncertain. Additional information is needed to resolve the significance of this variant. [ACMG evidence codes used: PM2; PP2; BP4]

Blueprint Genetics
Classification: Uncertain significance. Last evaluated: 2022-07-04. Review status: criteria provided, single submitter. Criteria: ACMG Guidelines, 2015. Collection method: clinical testing. Allele origin: germline.

GeneDx
Classification: Uncertain significance. Last evaluated: 2019-10-10. Review status: criteria provided, single submitter. Criteria: GeneDx Variant Classification Process June 2021. Collection method: clinical testing. Allele origin: germline. Affected: yes.
Comment: Not observed in large population cohorts (Lek et al., 2016); In silico analysis, which includes protein predictors and evolutionary conservation, supports that this variant does not alter protein structure/function; Has not been previously published as pathogenic or benign to our knowledge

NM_001035.3(RYR2):c.3625G>A (p.Val1209Met)

Gene: RYR2 (ryanodine receptor 2; plus strand). Cytogenetic location: 1q43.
Variant type: single nucleotide variant.
Coding change: c.3625G>A on transcript NM_001035.3 (MANE Select); coding-DNA position 3625, G replaced by A.
Protein change: p.Val1209Met; replaces valine 1209 with methionine.
Molecular consequence: missense variant.
Genome position (GRCh38, 1-based): chr1:237,589,819, G>A. VCF-style: chr1-237589819-G-A. GRCh37 (hg19) VCF-style: chr1-237753119-G-A.
Other names: p.V1209M:GTG>ATG; c.3625G>A, p.Val1209Met (LRG_402t1); short protein forms V1209M.
Identifiers: ClinVar variation 201240 (VCV000201240.15), dbSNP rs794728733, ClinGen allele CA009295.